The following is an entry in ClinVar:

ClinVar aggregate classification (germline): Uncertain significance (1 of 4 stars; one submission).

Conditions:
Chondrodysplasia punctata, brachytelephalangic, autosomal. Also called: BRACHYTELEPHALANGIC CHONDRODYSPLASIA PUNCTATA. Identifiers: MedGen C1844853, MONDO:0011238, OMIM 602497.

gnomAD v4.1: 2 of 1,198,765 alleles (0.00017%); no homozygotes.

Submission:

Labcorp Genetics (formerly Invitae), Labcorp
Classification: Uncertain significance for Chondrodysplasia punctata, brachytelephalangic, autosomal. Last evaluated: 2023-07-29. Review status: criteria provided, single submitter. Criteria: Invitae Variant Classification Sherloc (09022015). Collection method: clinical testing. Allele origin: germline.
Comment: Advanced modeling of protein sequence and biophysical properties (such as structural, functional, and spatial information, amino acid conservation, physicochemical variation, residue mobility, and thermodynamic stability) has been performed at Invitae for this missense variant, however the output from this modeling did not meet the statistical confidence thresholds required to predict the impact of this variant on ARSE protein function. ClinVar contains an entry for this variant (Variation ID: 1683175). This variant has not been reported in the literature in individuals affected with ARSE-related conditions. This variant is not present in population databases (gnomAD no frequency). This sequence change replaces aspartic acid, which is acidic and polar, with asparagine, which is neutral and polar, at codon 587 of the ARSE protein (p.Asp587Asn). In summary, the available evidence is currently insufficient to determine the role of this variant in disease. Therefore, it has been classified as a Variant of Uncertain Significance.

NM_000047.3(ARSL):c.1759G>A (p.Asp587Asn)

Gene: ARSL (arylsulfatase L; minus strand). Cytogenetic location: Xp22.33.
Variant type: single nucleotide variant.
Coding change: c.1759G>A on transcript NM_000047.3 (MANE Select); coding-DNA position 1759, G replaced by A.
Protein change: p.Asp587Asn; replaces aspartic acid 587 with asparagine.
Molecular consequence: missense variant.
Genome position (GRCh38, 1-based): chrX:2,934,843, C>T on the plus strand (G>A on the coding strand, the complement: ARSL is on the minus strand). VCF-style: chrX-2934843-C-T. GRCh37 (hg19) VCF-style: chrX-2852884-C-T.
Other names: c.1834G>A, p.Asp612Asn (NM_001282628.2, NM_001369080.1); c.1597G>A, p.Asp533Asn (NM_001282631.2); c.1786G>A, p.Asp596Asn (NM_001369079.1); short protein forms D533N, D587N, D596N, D612N.
Identifiers: ClinVar variation 1683175 (VCV001683175.8), dbSNP rs753500701, ClinGen allele CA325999040.
Genomic context (GRCh38, chrX:2,934,843, plus strand): 5'-TGAGTGACAAAATTTAGGAATCGGGGCTCCAGCTTTTCACTGCAGACATTTATTGTGGGT[C>T]ATCTTCCCTAAGGCACCAGCAGAGGGGGAACGGGCCACAGCAGGGCTGCAGCCACGGTCT-3'
Protein context (NP_000038.2, residues 577-589): FPLCWCLRED[Asp587Asn]PQ